The following is an entry in ClinVar:

ClinVar aggregate classification (germline): Uncertain significance. Review status: criteria provided, multiple submitters, no conflicts (2 of 4 stars). 3 submissions from 3 submitters: Uncertain significance (3). Last evaluated 2025-04-09.

Conditions:
Long QT syndrome (LQTS). Identifiers: MedGen C0023976, MeSH D008133, MONDO:0002442. Disease mechanism: loss of function. Inheritance: Various modes of inheritance.
Long QT syndrome 8. Identifiers: MedGen CN260585, MONDO:0032756, OMIM 618447.
Cardiovascular phenotype. Identifiers: MedGen CN230736.

Allele frequency attached by ClinVar (database versions not stated): gnomAD exomes below 0.00001; ExAC 0.00001.
gnomAD v4.1: 3 of 1,613,880 alleles (0.00019%); highest among the groups gnomAD compares: Non-Finnish European, 0.00025%; no homozygotes.

Submissions (3):

Molecular Diagnostic Laboratory for Inherited Cardiovascular Disease, Montreal Heart Institute
Classification: Uncertain significance for Cardiovascular phenotype. Last evaluated: 2025-04-09. Review status: criteria provided, single submitter. Criteria: ACMG Guidelines, 2015. Collection method: clinical testing. Allele origin: germline. Affected: yes.

Labcorp Genetics (formerly Invitae), Labcorp
Classification: Uncertain significance for Long QT syndrome. Last evaluated: 2023-04-01. Review status: criteria provided, single submitter. Criteria: Invitae Variant Classification Sherloc (09022015). Collection method: clinical testing. Allele origin: germline.
Comment: ClinVar contains an entry for this variant (Variation ID: 1806122). This sequence change replaces glutamine, which is neutral and polar, with arginine, which is basic and polar, at codon 1637 of the CACNA1C protein (p.Gln1637Arg). This variant is present in population databases (rs769587263, gnomAD 0.0009%). This variant has not been reported in the literature in individuals affected with CACNA1C-related conditions. Advanced modeling of protein sequence and biophysical properties (such as structural, functional, and spatial information, amino acid conservation, physicochemical variation, residue mobility, and thermodynamic stability) performed at Invitae indicates that this missense variant is not expected to disrupt CACNA1C protein function. In summary, the available evidence is currently insufficient to determine the role of this variant in disease. Therefore, it has been classified as a Variant of Uncertain Significance.

Victorian Clinical Genetics Services, Murdoch Childrens Research Institute
Classification: Uncertain significance for Long QT syndrome 8. Last evaluated: 2020-10-19. Review status: criteria provided, single submitter. Criteria: ACMG Guidelines, 2015. Collection method: clinical testing. Allele origin: germline. Inheritance: Autosomal dominant inheritance.
Comment: Based on the classification scheme VCGS_Germline_v1.3.3, this variant is classified as VUS - 3B. Following criteria are met: 0101 - Gain of function is a known mechanism of disease in this gene and is associated with Long QT syndrome 8 (MIM #618447). Missense variants result in loss of channel inactivation, and increased window current (OMIM, PMID: 25260352). (I) 0107 - This gene is associated with autosomal dominant disease. (I) 0200 - Variant is predicted to result in a missense amino acid change from glutamine to arginine. (I) 0251 - This variant is heterozygous. (I) 0302 - Variant is present in gnomAD (v2) <0.001 for a dominant condition (1 heterozygote, 0 homozygotes). (SP) 0502 - Missense variant with conflicting in silico predictions and uninformative conservation. (I) 0604 - Variant is not located in an established domain, motif, hotspot or informative constraint region. (I) 0705 - No comparable missense variants have previous evidence for pathogenicity. (I) 0807 - This variant has no previous evidence of pathogenicity. (I) 0905 - No published segregation evidence has been identified for this variant. (I) 1007 - No published functional evidence has been identified for this variant. (I) 1208 - Inheritance information for this variant is not currently available in this individual. (I) Legend: (SP) - Supporting pathogenic, (I) - Information, (SB) - Supporting benign

Literature cited by the submitters: PubMed 25260352 (cited by Victorian Clinical Genetics Services, Murdoch Childrens Research Institute).

NM_000719.7(CACNA1C):c.4910A>G (p.Gln1637Arg)

Genes: CACNA1C (calcium voltage-gated channel subunit alpha1 C; plus strand), CACNA1C-AS1 (CACNA1C antisense RNA 1; minus strand). Cytogenetic location: 12p13.33.
Variant type: single nucleotide variant.
Coding change: c.4910A>G on transcript NM_000719.7 (MANE Select); coding-DNA position 4910, A replaced by G.
Protein change: p.Gln1637Arg; replaces glutamine 1637 with arginine.
Molecular consequence: missense variant. On other transcripts: non-coding transcript variant (1).
Genome position (GRCh38, 1-based): chr12:2,677,175, A>G. VCF-style: chr12-2677175-A-G. GRCh37 (hg19) VCF-style: chr12-2786341-A-G.
Other names: c.4934A>G, p.Gln1645Arg (NM_001129837.2, NM_001129838.2); c.4928A>G, p.Gln1643Arg (NM_001129839.2); c.4910A>G, p.Gln1637Arg (NM_001129840.2, NM_001129841.2, NM_001129842.2 and 4 more transcripts); c.4901A>G, p.Gln1634Arg (NM_001129844.2); c.4877A>G, p.Gln1626Arg (NM_001129846.2, NM_001167625.2); c.5054A>G, p.Gln1685Arg (NM_199460.4, NM_001129827.2); c.5033A>G, p.Gln1678Arg (NM_001129829.2); c.4994A>G, p.Gln1665Arg (NM_001129831.2); and 4 more; short protein forms Q1626R, Q1634R, Q1637R, Q1643R, Q1645R, Q1654R, Q1656R, Q1657R.
Identifiers: ClinVar variation 1806122 (VCV001806122.5), dbSNP rs769587263, ClinGen allele CA6389641.